The following is an entry in ClinVar:

NM_000553.6(WRN):c.650C>T (p.Ala217Val)

Gene: WRN (WRN RecQ like helicase; plus strand). Cytogenetic location: 8p12.
Variant type: single nucleotide variant.
Coding change: c.650C>T on transcript NM_000553.6 (MANE Select); coding-DNA position 650, C replaced by T.
Protein change: p.Ala217Val; replaces alanine 217 with valine.
Molecular consequence: missense variant.
Genome position (GRCh38, 1-based): chr8:31,067,178, C>T. VCF-style: chr8-31067178-C-T. GRCh37 (hg19) VCF-style: chr8-30924694-C-T.
Other names: short protein forms A217V.
Identifiers: ClinVar variation 863760 (VCV000863760.4), dbSNP rs1812741778, ClinGen allele CA370916437.

ClinVar aggregate classification (germline): Uncertain significance (1 of 4 stars; one submission).

Conditions:
Werner syndrome (WRN). Identifiers: Orphanet 902, MedGen C0043119, MONDO:0010196, OMIM 277700.

Submission:

Labcorp Genetics (formerly Invitae), Labcorp
Classification: Uncertain significance for Werner syndrome. Last evaluated: 2024-08-29. Review status: criteria provided, single submitter. Criteria: Invitae Variant Classification Sherloc (09022015). Collection method: clinical testing. Allele origin: germline.
Comment: This sequence change replaces alanine, which is neutral and non-polar, with valine, which is neutral and non-polar, at codon 217 of the WRN protein (p.Ala217Val). This variant is not present in population databases (gnomAD no frequency). This variant has not been reported in the literature in individuals affected with WRN-related conditions. ClinVar contains an entry for this variant (Variation ID: 863760). An algorithm developed to predict the effect of missense changes on protein structure and function (PolyPhen-2) suggests that this variant is likely to be disruptive. In summary, the available evidence is currently insufficient to determine the role of this variant in disease. Therefore, it has been classified as a Variant of Uncertain Significance.